The following is an entry in ClinVar:

NM_002474.3(MYH11):c.1141G>A (p.Val381Ile)

Gene: MYH11 (myosin heavy chain 11; minus strand). Cytogenetic location: 16p13.11.
Variant type: single nucleotide variant.
Coding change: c.1141G>A on transcript NM_002474.3 (MANE Select); coding-DNA position 1141, G replaced by A.
Protein change: p.Val381Ile; replaces valine 381 with isoleucine.
Molecular consequence: missense variant.
Genome position (GRCh38, 1-based): chr16:15,760,647, C>T on the plus strand (G>A on the coding strand, the complement: MYH11 is on the minus strand). VCF-style: chr16-15760647-C-T. GRCh37 (hg19) VCF-style: chr16-15854504-C-T.
Other names: c.1162G>A, p.Val388Ile (NM_001040113.2, NM_001040114.2); c.1141G>A, p.Val381Ile (NM_022844.3); short protein forms V381I, V388I.
Identifiers: ClinVar variation 4756976 (VCV004756976.1).
Genomic context (GRCh38, chr16:15,760,647, plus strand): 5'-TACGAGGAGTGAGGATGGATCTGGTGAAATCTGTCACATTAATTCCCATGAGGTGGCAAA[C>T]TTTCTGAGCAGCTGGATGGAGAAAAGAAACATCGTGAGTGCATCACAAAAGAAATAGCTT-3'
Protein context (NP_002465.1, residues 371-391): SMPDNTAAQK[Val381Ile]CHLMGINVTD

ClinVar aggregate classification (germline): Uncertain significance (1 of 4 stars; one submission).

Conditions:
Familial thoracic aortic aneurysm and aortic dissection (TAAD). Also called: Thoracic aortic aneurysms and dissections. Identifiers: Orphanet 91387, MedGen C4707243, MONDO:0019625.

gnomAD v4.1: 13 of 1,608,230 alleles (0.00081%); highest among the groups gnomAD compares: Non-Finnish European, 0.0011%; no homozygotes.

Submission:

Color Diagnostics, LLC DBA Color Health
Classification: Uncertain significance for Familial thoracic aortic aneurysm and aortic dissection. Last evaluated: 2025-06-23. Review status: criteria provided, single submitter. Criteria: ACMG Guidelines, 2015. Collection method: clinical testing. Allele origin: germline.
Comment: This missense variant replaces valine with isoleucine at codon 388 of the MYH11 protein. Computational prediction suggests that this variant may not impact protein structure and function. To our knowledge, functional studies have not been reported for this variant. This variant has not been reported in individuals affected with MYH11-related disorders in the literature. This variant has been identified in 4/251494 chromosomes in the general population by the Genome Aggregation Database (gnomAD). The available evidence is insufficient to determine the role of this variant in disease conclusively. Therefore, this variant is classified as a Variant of Uncertain Significance.